The following is an entry in ClinVar:

ClinVar aggregate classification (germline): Benign/Likely benign. Review status: criteria provided, multiple submitters, no conflicts (2 of 4 stars). 2 submissions from 2 submitters: Benign (1); Likely benign (1). Last evaluated 2024-12-01.

Allele frequency attached by ClinVar (database versions not stated): ESP Exome Variant Server 0.00034; 1000 Genomes Project 30x 0.00125; 1000 Genomes Project 0.00160.
gnomAD v4.1: 1,287 of 1,603,184 alleles (0.08%); highest among the groups gnomAD compares: Middle Eastern, 0.23%; 4 homozygotes.

Submissions (2):

CeGaT Center for Human Genetics Tuebingen
Classification: Benign. Last evaluated: 2024-12-01. Review status: criteria provided, single submitter. Criteria: CeGaT Center For Human Genetics Tuebingen Variant Classification Criteria Version 2. Collection method: clinical testing. Allele origin: germline. Affected: yes. Observed: 1 variant allele.
Comment: EPPK1: BP4, BS1, BS2

Ambry Genetics
Classification: Likely benign. Last evaluated: 2023-06-29. Review status: criteria provided, single submitter. Criteria: Ambry Variant Classification Scheme 2023. Collection method: clinical testing. Allele origin: germline.

NM_031308.4(EPPK1):c.1321G>A (p.Gly441Ser)

Gene: EPPK1 (epiplakin 1; minus strand). Cytogenetic location: 8q24.3.
Variant type: single nucleotide variant.
Coding change: c.1321G>A on transcript NM_031308.4 (MANE Select); coding-DNA position 1321, G replaced by A.
Protein change: p.Gly441Ser; replaces glycine 441 with serine.
Molecular consequence: missense variant.
Genome position (GRCh38, 1-based): chr8:143,871,933, C>T on the plus strand (G>A on the coding strand, the complement: EPPK1 is on the minus strand). VCF-style: chr8-143871933-C-T. GRCh37 (hg19) VCF-style: chr8-144946101-C-T.
Other names: short protein forms G441S.
Identifiers: ClinVar variation 2587928 (VCV002587928.15), dbSNP rs200370864, ClinGen allele CA4923392.